The following is an entry in ClinVar:

ClinVar aggregate classification (germline): Uncertain significance (1 of 4 stars; one submission).

Conditions:
Dyskeratosis congenita, autosomal recessive 5 (DKCB5). Identifiers: MedGen C3554656, MONDO:0014076, OMIM 615190.
Pulmonary fibrosis and/or bone marrow failure, Telomere-related, 3. Also called: PULMONARY FIBROSIS AND/OR BONE MARROW FAILURE SYNDROME, TELOMERE-RELATED, 3. Identifiers: Orphanet 2032, MedGen C4225346, MONDO:0014613, OMIM 616373.

Submission:

Labcorp Genetics (formerly Invitae), Labcorp
Classification: Uncertain significance for Dyskeratosis congenita, autosomal recessive 5; Pulmonary fibrosis and/or bone marrow failure, Telomere-related, 3. Last evaluated: 2021-12-13. Review status: criteria provided, single submitter. Criteria: Invitae Variant Classification Sherloc (09022015). Collection method: clinical testing. Allele origin: germline.
Comment: In summary, the available evidence is currently insufficient to determine the role of this variant in disease. Therefore, it has been classified as a Variant of Uncertain Significance. Algorithms developed to predict the effect of sequence changes on RNA splicing suggest that this variant may create or strengthen a splice site. This variant has not been reported in the literature in individuals affected with RTEL1-related conditions. This variant is not present in population databases (gnomAD no frequency). This sequence change affects codon 874 of the RTEL1 mRNA. It is a 'silent' change, meaning that it does not change the encoded amino acid sequence of the RTEL1 protein.

NM_001283009.2(RTEL1):c.2622G>T (p.Gly874=)

Genes: RTEL1 (regulator of telomere elongation helicase 1; plus strand), RTEL1-TNFRSF6B (RTEL1-TNFRSF6B readthrough (NMD candidate); plus strand). Cytogenetic location: 20q13.33.
Variant type: single nucleotide variant.
Coding change: c.2622G>T on transcript NM_001283009.2 (MANE Select); coding-DNA position 2622, G replaced by T.
Protein change: p.Gly874=; no amino-acid change (glycine 874 retained).
Molecular consequence: synonymous variant. On other transcripts: non-coding transcript variant (1).
Genome position (GRCh38, 1-based): chr20:63,691,807, G>T. VCF-style: chr20-63691807-G-T. GRCh37 (hg19) VCF-style: chr20-62323160-G-T.
Other names: c.1953G>T, p.Gly651= (NM_001283010.1); c.2622G>T, p.Gly874= (NM_016434.4); c.2694G>T, p.Gly898= (NM_032957.5).
Identifiers: ClinVar variation 2041462 (VCV002041462.4), dbSNP rs748675325, ClinGen allele CA511375517.